The following is an entry in ClinVar:

ClinVar aggregate classification (germline): Uncertain significance (1 of 4 stars; one submission).

Conditions:
Joubert syndrome 18 (JBTS18). Identifiers: Orphanet 2754, MedGen C3553758, MONDO:0013896, OMIM 614815.
Orofacial-digital syndrome IV (OFD4). Also called: BARAITSER-BURN SYNDROME; MOHR-MAJEWSKI SYNDROME; OFD SYNDROME WITH TIBIAL DEFECTS; OFD SYNDROME, BARAITSER-BURN TYPE; OFDS IV; ORAL-FACIAL-DIGITAL SYNDROME, TYPE IV. Identifiers: Orphanet 2753, MedGen C0406727, MONDO:0009794, OMIM 258860.

Allele frequency attached by ClinVar (database versions not stated): gnomAD exomes below 0.00001 and 0.00002; gnomAD 0.00001; TOPMed 0.00001.

Submission:

Labcorp Genetics (formerly Invitae), Labcorp
Classification: Uncertain significance for Joubert syndrome 18; Orofacial-digital syndrome IV. Last evaluated: 2022-08-01. Review status: criteria provided, single submitter. Criteria: Invitae Variant Classification Sherloc (09022015). Collection method: clinical testing. Allele origin: germline.
Comment: This variant, c.1606_1611del, results in the deletion of 2 amino acid(s) of the TCTN3 protein (p.Thr536_Glu537del), but otherwise preserves the integrity of the reading frame. In summary, the available evidence is currently insufficient to determine the role of this variant in disease. Therefore, it has been classified as a Variant of Uncertain Significance. Experimental studies and prediction algorithms are not available or were not evaluated, and the functional significance of this variant is currently unknown. ClinVar contains an entry for this variant (Variation ID: 1399579). This variant has not been reported in the literature in individuals affected with TCTN3-related conditions. This variant is not present in population databases (gnomAD no frequency).

NM_015631.6(TCTN3):c.1606_1611del (p.Thr536_Glu537del)

Gene: TCTN3 (tectonic family member 3; minus strand). Cytogenetic location: 10q24.1.
Variant type: Deletion.
Coding change: c.1606_1611del on transcript NM_015631.6 (MANE Select); coding-DNA positions 1606 to 1611, 6 bases deleted (ACAGAA; older notation c.1606_1611delACAGAA).
Protein change: p.Thr536_Glu537del.
Molecular consequence: inframe deletion.
Genome position (GRCh38, 1-based): chr10:95,664,280-95,664,285, TTCTGT deleted on the plus strand (ACAGAA on the coding strand, the reverse complement: TCTN3 is on the minus strand). VCF-style (leftmost placement, unchanged base first): chr10-95664279-CTTCTGT-C. GRCh37 (hg19) VCF-style: chr10-97424036-CTTCTGT-C.
Other names: c.1162_1167del, p.Thr388_Glu389del (NM_001143973.2).
Identifiers: ClinVar variation 1399579 (VCV001399579.6), dbSNP rs891059654, ClinGen allele CA211793067.